The following is an entry in ClinVar:

NM_000551.4(VHL):c.138G>T (p.Glu46Asp)

Gene: VHL (von Hippel-Lindau tumor suppressor; plus strand). Cytogenetic location: 3p25.3.
Variant type: single nucleotide variant.
Coding change: c.138G>T on transcript NM_000551.4 (MANE Select); coding-DNA position 138, G replaced by T.
Protein change: p.Glu46Asp; replaces glutamic acid 46 with aspartic acid.
Molecular consequence: missense variant. On other transcripts: non-coding transcript variant (1).
Genome position (GRCh38, 1-based): chr3:10,141,985, G>T. VCF-style: chr3-10141985-G-T. GRCh37 (hg19) VCF-style: chr3-10183669-G-T.
Other names: c.138G>T, p.Glu46Asp (NM_001354723.2, NM_198156.3); short protein forms E46D.
Identifiers: ClinVar variation 2952181 (VCV002952181.3), dbSNP rs2125124799, ClinGen allele CA351748127.

ClinVar aggregate classification (germline): Uncertain significance (1 of 4 stars; one submission).

Conditions:
Von Hippel-Lindau syndrome (VHLS). Also called: VHL syndrome; Von Hippel-Lindau; von Hippel–Lindau syndrome. Identifiers: Orphanet 892, MedGen C0019562, MONDO:0008667, OMIM 193300. Disease mechanism: loss of function.
Chuvash polycythemia. Also called: POLYCYTHEMIA, VHL-DEPENDENT. Identifiers: Orphanet 238557, MedGen C1837915, MONDO:0009892, OMIM 263400.

Submission:

Labcorp Genetics (formerly Invitae), Labcorp
Classification: Uncertain significance for Von Hippel-Lindau syndrome; Chuvash polycythemia. Last evaluated: 2023-01-10. Review status: criteria provided, single submitter. Criteria: Invitae Variant Classification Sherloc (09022015). Collection method: clinical testing. Allele origin: germline.
Comment: Advanced modeling of protein sequence and biophysical properties (such as structural, functional, and spatial information, amino acid conservation, physicochemical variation, residue mobility, and thermodynamic stability) performed at Invitae indicates that this missense variant is not expected to disrupt VHL protein function. This variant has not been reported in the literature in individuals affected with VHL-related conditions. This variant is not present in population databases (gnomAD no frequency). This sequence change replaces glutamic acid, which is acidic and polar, with aspartic acid, which is acidic and polar, at codon 46 of the VHL protein (p.Glu46Asp). In summary, the available evidence is currently insufficient to determine the role of this variant in disease. Therefore, it has been classified as a Variant of Uncertain Significance.